The following is an entry in ClinVar:

NM_002529.4(NTRK1):c.315C>T (p.Phe105=)

Gene: NTRK1 (neurotrophic receptor tyrosine kinase 1; plus strand). Cytogenetic location: 1q23.1.
Variant type: single nucleotide variant.
Coding change: c.315C>T on transcript NM_002529.4 (MANE Select); coding-DNA position 315, C replaced by T.
Protein change: p.Phe105=; no amino-acid change (phenylalanine 105 retained).
Molecular consequence: synonymous variant.
Genome position (GRCh38, 1-based): chr1:156,864,755, C>T. VCF-style: chr1-156864755-C-T. GRCh37 (hg19) VCF-style: chr1-156834547-C-T.
Other names: c.225C>T, p.Phe75= (NM_001007792.1); c.315C>T, p.Phe105= (NM_001012331.2); c.315C>T (NM_002529.3).
Identifiers: ClinVar variation 705857 (VCV000705857.27), dbSNP rs6340, ClinGen allele CA1168911.

ClinVar aggregate classification (germline): Likely benign. Review status: criteria provided, multiple submitters, no conflicts (2 of 4 stars). 5 submissions from 5 submitters: Likely benign (4). 1 of the submissions does not count toward it. Last evaluated 2026-05-25.

Conditions:
Hereditary insensitivity to pain with anhidrosis (CIPA). Also called: HSAN Type IV; INSENSITIVITY TO PAIN, CONGENITAL, WITH ANHIDROSIS; hereditary sensory and autonomic neuropathy type 4; NTRK1 Congenital Insensitivity to Pain with Anhidrosis; FAMILIAL DYSAUTONOMIA, TYPE II; NEUROPATHY, CONGENITAL SENSORY, WITH ANHIDROSIS. Identifiers: Orphanet 642, MedGen C0020074, MONDO:0009746, OMIM 256800.
NTRK1-related disorder. Also called: NTRK1-related condition.

Allele frequency attached by ClinVar (database versions not stated): gnomAD exomes 0.00014; ExAC 0.00020; ESP Exome Variant Server 0.00023; TOPMed 0.00029; gnomAD 0.00031 and 0.00035; 1000 Genomes Project 30x 0.00078; 1000 Genomes Project 0.00100.
gnomAD v4.1: 197 of 1,614,064 alleles (0.012%); highest among the groups gnomAD compares: African/African-American, 0.096%; no homozygotes.

Submissions (5):

PreventionGenetics, part of Exact Sciences
Classification: Likely benign for NTRK1-related condition. Last evaluated: 2026-05-25. Review status: criteria provided, single submitter. Criteria: ACMG Guidelines, 2015. Collection method: clinical testing. Allele origin: germline.
Comment: This variant is classified as likely benign based on ACMG/AMP sequence variant interpretation guidelines (Richards et al. 2015 PMID: 25741868, with internal and published modifications).

Labcorp Genetics (formerly Invitae), Labcorp
Classification: Likely benign for Hereditary insensitivity to pain with anhidrosis. Last evaluated: 2026-01-05. Review status: criteria provided, single submitter. Criteria: Invitae Variant Classification Sherloc (09022015). Collection method: clinical testing. Allele origin: germline.

CeGaT Center for Human Genetics Tuebingen
Classification: Likely benign. Last evaluated: 2025-01-01. Review status: criteria provided, single submitter. Criteria: CeGaT Center For Human Genetics Tuebingen Variant Classification Criteria Version 2. Collection method: clinical testing. Allele origin: germline. Affected: yes. Observed: 1 variant allele.
Comment: NTRK1: BP4, BP7

Blueprint Genetics
Classification: Likely benign. Last evaluated: 2024-10-17. Review status: criteria provided, single submitter. Criteria: ACMG Guidelines, 2015. Collection method: clinical testing. Allele origin: germline.

Natera, Inc.
Classification: Likely benign for Hereditary insensitivity to pain with anhidrosis. Last evaluated: 2020-09-16. Review status: no assertion criteria provided. Collection method: clinical testing. Allele origin: germline. Not counted in ClinVar's aggregate classification.